The following is an entry in ClinVar:

ClinVar aggregate classification (germline): Uncertain significance (0 of 4 stars; one submission).

Conditions:
DISP1-related disorder. Also called: DISP1-related condition.

gnomAD v4.1: 11 of 1,614,018 alleles (0.00068%); highest among the groups gnomAD compares: Non-Finnish European, 0.00076%; no homozygotes.

Submission:

PreventionGenetics, part of Exact Sciences
Classification: Uncertain significance for DISP1-related condition. Last evaluated: 2024-06-19. Review status: no assertion criteria provided. Collection method: clinical testing. Allele origin: germline.
Comment: The DISP1 c.3139G>A variant is predicted to result in the amino acid substitution p.Gly1047Ser. This variant was previously reported, along with a protein-truncating variant in the same gene, in an individual with holoprosencephaly, orofacial cleft, and chorio-retinal coloboma (Lavillaureix et al. 2024. PubMed ID: 38529886). This variant is reported in 0.0046% of alleles in individuals of European (Finnish) descent in gnomAD. Although we suspect that c.3139G>A (p.Gly1047Ser) may be pathogenic, the clinical significance of this variant is uncertain due to the absence of conclusive functional and genetic evidence.

NM_001377229.1(DISP1):c.3139G>A (p.Gly1047Ser)

Gene: DISP1 (dispatched RND transporter family member 1; plus strand). Cytogenetic location: 1q41.
Variant type: single nucleotide variant.
Coding change: c.3139G>A on transcript NM_001377229.1 (MANE Select); coding-DNA position 3139, G replaced by A.
Protein change: p.Gly1047Ser; replaces glycine 1047 with serine.
Molecular consequence: missense variant.
Genome position (GRCh38, 1-based): chr1:223,004,536, G>A. VCF-style: chr1-223004536-G-A. GRCh37 (hg19) VCF-style: chr1-223177878-G-A.
Other names: c.2410G>A, p.Gly804Ser (NM_001350630.2); c.3139G>A, p.Gly1047Ser (NM_001369594.1, NM_001377228.1, NM_032890.5); short protein forms G1047S, G804S.
Identifiers: ClinVar variation 3351806 (VCV003351806.1).
Genomic context (GRCh38, chr1:223,004,536, plus strand): 5'-CTTGTCCTGCTGGGCTGGGAGCTCAATGTGTTGGAATCTGTCACCATTTCGGTTGCCGTC[G>A]GCTTGTCTGTAGACTTTGCCGTCCATTATGGGGTTGCCTACCGCTTGGCTCCAGATCCCG-3'
Protein context (NP_001364158.1, residues 1037-1057): LESVTISVAV[Gly1047Ser]LSVDFAVHYG